The following is an entry in ClinVar:

ClinVar aggregate classification (germline): Pathogenic (1 of 4 stars; one submission).

Conditions:
Very long chain acyl-CoA dehydrogenase deficiency (ACADVLD). Also called: VLCAD Deficiency; Very Long-Chain Acyl-Coenzyme A Dehydrogenase Deficiency. Identifiers: Orphanet 26793, MedGen C3887523, MONDO:0008723, OMIM 201475.

Submission:

Labcorp Genetics (formerly Invitae), Labcorp
Classification: Pathogenic for Very long chain acyl-CoA dehydrogenase deficiency. Last evaluated: 2023-04-18. Review status: criteria provided, single submitter. Criteria: Invitae Variant Classification Sherloc (09022015). Collection method: clinical testing. Allele origin: germline.
Comment: For these reasons, this variant has been classified as Pathogenic. This variant has not been reported in the literature in individuals affected with ACADVL-related conditions. This variant is not present in population databases (gnomAD no frequency). This sequence change creates a premature translational stop signal (p.Lys247*) in the ACADVL gene. It is expected to result in an absent or disrupted protein product. Loss-of-function variants in ACADVL are known to be pathogenic (PMID: 9973285, 11590124).

Literature cited by the submitters: PubMed 9973285; PubMed 11590124.

NM_000018.4(ACADVL):c.739A>T (p.Lys247Ter)

Gene: ACADVL (acyl-CoA dehydrogenase very long chain; plus strand). Cytogenetic location: 17p13.1.
Variant type: single nucleotide variant.
Coding change: c.739A>T on transcript NM_000018.4 (MANE Select); coding-DNA position 739, A replaced by T.
Protein change: p.Lys247Ter; replaces lysine 247 with a stop codon.
Molecular consequence: nonsense.
Genome position (GRCh38, 1-based): chr17:7,222,068, A>T. VCF-style: chr17-7222068-A-T. GRCh37 (hg19) VCF-style: chr17-7125387-A-T.
Other names: c.673A>T, p.Lys225Ter (NM_001033859.3); c.808A>T, p.Lys270Ter (NM_001270447.2); c.511A>T, p.Lys171Ter (NM_001270448.2); short protein forms K171*, K225*, K270*, K247*.
Identifiers: ClinVar variation 2857471 (VCV002857471.3), dbSNP rs387906253, ClinGen allele CA397723574.